The following is an entry in ClinVar:

NM_153460.4(IL17RC):c.1250G>A (p.Cys417Tyr)

Gene: IL17RC (interleukin 17 receptor C; plus strand). Cytogenetic location: 3p25.3.
Variant type: single nucleotide variant.
Coding change: c.1250G>A on transcript NM_153460.4 (MANE Select); coding-DNA position 1250, G replaced by A.
Protein change: p.Cys417Tyr; replaces cysteine 417 with tyrosine.
Molecular consequence: missense variant. On other transcripts: non-coding transcript variant (1).
Genome position (GRCh38, 1-based): chr3:9,930,121, G>A. VCF-style: chr3-9930121-G-A. GRCh37 (hg19) VCF-style: chr3-9971805-G-A.
Other names: c.1250G>A, p.Cys417Tyr (NM_001203263.2); c.1199G>A, p.Cys400Tyr (NM_001203264.2); c.1154G>A, p.Cys385Tyr (NM_001203265.2, NM_001410711.1); c.1211G>A, p.Cys404Tyr (NM_001367278.1); c.1130G>A, p.Cys377Tyr (NM_001367279.1); c.1205G>A, p.Cys402Tyr (NM_001367280.1, NM_032732.6); c.1463G>A, p.Cys488Tyr (NM_153461.4); short protein forms C377Y, C385Y, C400Y, C402Y, C417Y, C488Y, C404Y.
Identifiers: ClinVar variation 2889792 (VCV002889792.3), dbSNP rs1454082798, ClinGen allele CA351699439.

ClinVar aggregate classification (germline): Uncertain significance (1 of 4 stars; one submission).

Conditions:
Candidiasis, familial, 9 (CANDF9). Identifiers: Orphanet 1334, MedGen C4225324, MONDO:0014642, OMIM 616445.

Allele frequency attached by ClinVar (database versions not stated): gnomAD exomes 0.00001; gnomAD 0.00001; TOPMed 0.00001.
gnomAD v4.1: 10 of 1,613,972 alleles (0.00062%); highest among the groups gnomAD compares: Non-Finnish European, 0.00085%; no homozygotes.

Submission:

Labcorp Genetics (formerly Invitae), Labcorp
Classification: Uncertain significance for Candidiasis, familial, 9. Last evaluated: 2025-06-17. Review status: criteria provided, single submitter. Criteria: Invitae Variant Classification Sherloc (09022015). Collection method: clinical testing. Allele origin: germline.
Comment: This sequence change replaces cysteine, which is neutral and slightly polar, with tyrosine, which is neutral and polar, at codon 488 of the IL17RC protein (p.Cys488Tyr). This variant is present in population databases (no rsID available, gnomAD 0.007%). This variant has not been reported in the literature in individuals affected with IL17RC-related conditions. ClinVar contains an entry for this variant (Variation ID: 2889792). An algorithm developed to predict the effect of missense changes on protein structure and function (PolyPhen-2) suggests that this variant is likely to be disruptive. In summary, the available evidence is currently insufficient to determine the role of this variant in disease. Therefore, it has been classified as a Variant of Uncertain Significance.